The following is an entry in ClinVar:

NM_003383.5(VLDLR):c.836G>A (p.Arg279Gln)

Gene: VLDLR (very low density lipoprotein receptor; plus strand). Cytogenetic location: 9p24.2.
Variant type: single nucleotide variant.
Coding change: c.836G>A on transcript NM_003383.5 (MANE Select); coding-DNA position 836, G replaced by A.
Protein change: p.Arg279Gln; replaces arginine 279 with glutamine.
Molecular consequence: missense variant.
Genome position (GRCh38, 1-based): chr9:2,643,643, G>A. VCF-style: chr9-2643643-G-A. GRCh37 (hg19) VCF-style: chr9-2643643-G-A.
Other names: c.836G>A, p.Arg279Gln (NM_001018056.3); c.713G>A, p.Arg238Gln (NM_001322225.2, NM_001322226.2); short protein forms R279Q, R238Q.
Identifiers: ClinVar variation 437221 (VCV000437221.12), dbSNP rs114307467, ClinGen allele CA4964652.

ClinVar aggregate classification (germline): Uncertain significance. Review status: criteria provided, multiple submitters, no conflicts (2 of 4 stars). 4 submissions from 4 submitters: Uncertain significance (4). Last evaluated 2026-04-01.

Conditions:
Inborn genetic diseases. Identifiers: MedGen C0950123, MeSH D030342.

Allele frequency attached by ClinVar (database versions not stated): ExAC 0.00013; gnomAD 0.00014 and 0.00018; ESP Exome Variant Server 0.00015; TOPMed 0.00017; gnomAD exomes 0.00019 and 0.00038; 1000 Genomes Project 30x 0.00031; 1000 Genomes Project 0.00040.
gnomAD v4.1: 586 of 1,614,144 alleles (0.036%); highest among the groups gnomAD compares: South Asian, 0.068%; no homozygotes.

Submissions (4):

CeGaT Center for Human Genetics Tuebingen
Classification: Uncertain significance. Last evaluated: 2026-04-01. Review status: criteria provided, single submitter. Criteria: CeGaT Center For Human Genetics Tuebingen Variant Classification Criteria Version 2. Collection method: clinical testing. Allele origin: germline. Affected: yes. Observed: 1 variant allele.
Comment: VLDLR: PM2

Ambry Genetics
Classification: Uncertain significance for Inborn genetic diseases. Last evaluated: 2021-10-20. Review status: criteria provided, single submitter. Criteria: Ambry Variant Classification Scheme 2023. Collection method: clinical testing. Allele origin: germline.

GeneDx
Classification: Uncertain significance. Last evaluated: 2021-06-21. Review status: criteria provided, single submitter. Criteria: GeneDx Variant Classification Process June 2021. Collection method: clinical testing. Allele origin: germline. Affected: yes.
Comment: This variant is associated with the following publications: (PMID: 27535533, 19332571)

Genetic Services Laboratory, University of Chicago
Classification: Uncertain significance. Last evaluated: 2016-09-15. Review status: criteria provided, single submitter. Criteria: ACMG Guidelines, 2015. Collection method: clinical testing. Allele origin: germline. Affected: no.